The following is an entry in ClinVar:

NM_005555.4(KRT6B):c.1655C>G (p.Thr552Ser)

Gene: KRT6B (keratin 6B; minus strand). Cytogenetic location: 12q13.13.
Variant type: single nucleotide variant.
Coding change: c.1655C>G on transcript NM_005555.4 (MANE Select); coding-DNA position 1655, C replaced by G.
Protein change: p.Thr552Ser; replaces threonine 552 with serine.
Molecular consequence: missense variant.
Genome position (GRCh38, 1-based): chr12:52,447,230, G>C on the plus strand (C>G on the coding strand, the complement: KRT6B is on the minus strand). VCF-style: chr12-52447230-G-C. GRCh37 (hg19) VCF-style: chr12-52841014-G-C.
Other names: short protein forms T552S.
Identifiers: ClinVar variation 3711571 (VCV003711571.2).

ClinVar aggregate classification (germline): Uncertain significance (1 of 4 stars; one submission).

Submission:

Labcorp Genetics (formerly Invitae), Labcorp
Classification: Uncertain significance. Last evaluated: 2024-06-13. Review status: criteria provided, single submitter. Criteria: Invitae Variant Classification Sherloc (09022015). Collection method: clinical testing. Allele origin: germline.
Comment: This sequence change replaces threonine, which is neutral and polar, with serine, which is neutral and polar, at codon 552 of the KRT6B protein (p.Thr552Ser). This variant is present in population databases (rs775142460, gnomAD 0.007%). This variant has not been reported in the literature in individuals affected with KRT6B-related conditions. Advanced modeling of protein sequence and biophysical properties (such as structural, functional, and spatial information, amino acid conservation, physicochemical variation, residue mobility, and thermodynamic stability) performed at Invitae indicates that this missense variant is not expected to disrupt KRT6B protein function with a negative predictive value of 95%. In summary, the available evidence is currently insufficient to determine the role of this variant in disease. Therefore, it has been classified as a Variant of Uncertain Significance.